The following is an entry in ClinVar:

ClinVar aggregate classification (germline): Likely benign. Review status: criteria provided, multiple submitters, no conflicts (2 of 4 stars). 4 submissions from 4 submitters: Likely benign (3). 1 of the submissions does not count toward it. Last evaluated 2026-01-17.

Conditions:
COL4A4-related disorder.
Autosomal recessive Alport syndrome (ATS2). Also called: COL4A4 Alport Syndrome and Thin Basement Membrane Nephropathy; ALPORT SYNDROME 2, AUTOSOMAL RECESSIVE; Alport syndrome type 2; COL4A3-Related Nephropathy. Identifiers: Orphanet 63, Orphanet 88919, MedGen C4746745, MONDO:0008762, OMIM 203780.
Benign familial hematuria. Also called: thin basement membrane disease. Identifiers: MedGen C0241908, MONDO:0957317.

Allele frequency attached by ClinVar (database versions not stated): gnomAD 0.00006 and 0.00007; TOPMed 0.00008; gnomAD exomes 0.00015 and 0.00005; ESP Exome Variant Server 0.00026; ExAC 0.00005.
gnomAD v4.1: 225 of 1,613,132 alleles (0.014%); highest among the groups gnomAD compares: Non-Finnish European, 0.019%; no homozygotes.

Submissions (4):

Labcorp Genetics (formerly Invitae), Labcorp
Classification: Likely benign. Last evaluated: 2026-01-17. Review status: criteria provided, single submitter. Criteria: Invitae Variant Classification Sherloc (09022015). Collection method: clinical testing. Allele origin: germline.

Blueprint Genetics
Classification: Likely benign. Last evaluated: 2024-11-07. Review status: criteria provided, single submitter. Criteria: ACMG Guidelines, 2015. Collection method: clinical testing. Allele origin: germline.

Fulgent Genetics
Classification: Likely benign for Hematuria, benign familial, 1; Autosomal recessive Alport syndrome. Last evaluated: 2021-10-13. Review status: criteria provided, single submitter. Criteria: ACMG Guidelines, 2015. Collection method: clinical testing. Allele origin: unknown.

PreventionGenetics, part of Exact Sciences
Classification: Likely benign for COL4A4-related condition. Last evaluated: 2020-03-09. Review status: no assertion criteria provided. Collection method: clinical testing. Allele origin: germline. Not counted in ClinVar's aggregate classification.
Comment: This variant is classified as likely benign based on ACMG/AMP sequence variant interpretation guidelines (Richards et al. 2015 PMID: 25741868, with internal and published modifications).

NM_000092.5(COL4A4):c.1962C>T (p.Gly654=)

Gene: COL4A4 (collagen type IV alpha 4 chain; minus strand). Cytogenetic location: 2q36.3.
Variant type: single nucleotide variant.
Coding change: c.1962C>T on transcript NM_000092.5 (MANE Select); coding-DNA position 1962, C replaced by T.
Protein change: p.Gly654=; no amino-acid change (glycine 654 retained).
Molecular consequence: synonymous variant.
Genome position (GRCh38, 1-based): chr2:227,077,919, G>A on the plus strand (C>T on the coding strand, the complement: COL4A4 is on the minus strand). VCF-style: chr2-227077919-G-A. GRCh37 (hg19) VCF-style: chr2-227942635-G-A.
Other names: c.1962C>T (NM_000092.4).
Identifiers: ClinVar variation 1137665 (VCV001137665.13), dbSNP rs376448360, ClinGen allele CA2145015.